The following is an entry in ClinVar:

ClinVar aggregate classification (germline): Likely pathogenic (1 of 4 stars; one submission).

Conditions:
Autosomal recessive Alport syndrome (ATS2). Also called: Alport syndrome type 2; COL4A4 Alport Syndrome and Thin Basement Membrane Nephropathy; ALPORT SYNDROME 2, AUTOSOMAL RECESSIVE; COL4A3-Related Nephropathy. Identifiers: Orphanet 63, Orphanet 88919, MedGen C4746745, MONDO:0008762, OMIM 203780.

Submission:

Myriad Genetics, Inc.
Classification: Likely pathogenic for Autosomal recessive Alport syndrome. Last evaluated: 2021-12-16. Review status: criteria provided, single submitter. Criteria: Myriad Women's Health Autosomal Recessive and X-Linked Classification Criteria (2021). Collection method: clinical testing. Allele origin: unknown.
Comment: NM_000091.4(COL4A3):c.304dupT(S102Ffs*28) is expected to be pathogenic in the context of COL4A3-related Alport syndrome. This variant is predicted to lead to an abnormal or absent protein product due to the creation of a premature termination codon in COL4A3, a gene where loss-of-function variants are known to be pathogenic. Please note: this variant was assessed in the context of healthy population screening.

NM_000091.5(COL4A3):c.304dup (p.Ser102fs)

Genes: MFF-DT (MFF divergent transcript; minus strand), COL4A3 (collagen type IV alpha 3 chain; plus strand). Cytogenetic location: 2q36.3.
Variant type: Duplication.
Coding change: c.304dup on transcript NM_000091.5 (MANE Select); coding-DNA position 304, one base duplicated (T; older notation c.304dupT).
Protein change: p.Ser102fs; shifts the reading frame from serine 102.
Molecular consequence: frameshift variant.
Genome position (GRCh38, 1-based): chr2:227,244,975, T duplicated; the last of 4 consecutive T bases (chr2:227,244,972-227,244,975); duplicating any one gives the same sequence. VCF-style (leftmost placement, unchanged base first): chr2-227244971-A-AT. GRCh37 (hg19) VCF-style: chr2-228109687-A-AT.
Other names: short protein forms S102fs.
Identifiers: ClinVar variation 1726318 (VCV001726318.2), dbSNP rs2469494821, ClinGen allele CA2580065889.
Genomic context (GRCh38, chr2:227,244,971, plus strand): 5'-TTTTTTTTTTGCCACCCCCTCCTTTTTCCTATGTCTTCAGGGAATAAGTGGATTGCCAGG[A>AT]TTTTCTGGTTCTCCTGGACTTCCAGTAAGTAATGGGAAAAATCCGTAGCTAGAAAATTTA-3'